The following is an entry in ClinVar:

NM_001378609.3(OTOGL):c.1286G>A (p.Gly429Asp)

Gene: OTOGL (otogelin like; plus strand). Cytogenetic location: 12q21.31.
Variant type: single nucleotide variant.
Coding change: c.1286G>A on transcript NM_001378609.3 (MANE Select); coding-DNA position 1286, G replaced by A.
Protein change: p.Gly429Asp; replaces glycine 429 with aspartic acid.
Molecular consequence: missense variant.
Genome position (GRCh38, 1-based): chr12:80,253,466, G>A. VCF-style: chr12-80253466-G-A. GRCh37 (hg19) VCF-style: chr12-80647246-G-A.
Other names: c.1286G>A, p.Gly429Asp (NM_001368062.3, NM_001378610.3, NM_173591.7); short protein forms G429D.
Identifiers: ClinVar variation 5017790 (VCV005017790.1).

ClinVar aggregate classification (germline): Uncertain significance (1 of 4 stars; one submission).

Submission:

GeneDx
Classification: Uncertain significance. Last evaluated: 2026-04-10. Review status: criteria provided, single submitter. Criteria: GeneDx Variant Classification Process June 2021. Collection method: clinical testing. Allele origin: germline.
Comment: Not observed at significant frequency in large population cohorts (gnomAD); In silico analysis supports that this missense variant has a deleterious effect on protein structure/function; Has not been previously published as pathogenic or benign to our knowledge